The following is an entry in ClinVar:

NM_015271.5(TRIM2):c.1698G>A (p.Val566=)

Gene: TRIM2 (tripartite motif containing 2; plus strand). Cytogenetic location: 4q31.3.
Variant type: single nucleotide variant.
Coding change: c.1698G>A on transcript NM_015271.5 (MANE Select); coding-DNA position 1698, G replaced by A.
Protein change: p.Val566=; no amino-acid change (valine 566 retained).
Molecular consequence: synonymous variant.
Genome position (GRCh38, 1-based): chr4:153,315,915, G>A. VCF-style: chr4-153315915-G-A. GRCh37 (hg19) VCF-style: chr4-154237067-G-A.
Other names: c.1698G>A (NM_015271.4); c.1617G>A, p.Val539= (NM_001130067.2, NM_001351056.2, NM_001375512.1 and 5 more transcripts); c.1671G>A, p.Val557= (NM_001351054.2); c.1668G>A, p.Val556= (NM_001351055.2); c.1242G>A, p.Val414= (NM_001351057.2); c.1791G>A, p.Val597= (NM_001375488.1); c.1788G>A, p.Val596= (NM_001375489.1); c.1641G>A, p.Val547= (NM_001375490.1); and 4 more.
Identifiers: ClinVar variation 711178 (VCV000711178.35), dbSNP rs747022098, ClinGen allele CA3108812.
Genomic context (GRCh38, chr4:153,315,915, plus strand): 5'-CAAAAGTCGTTTTGGCATACGGGGACGCTCTCCGGGGCAGCTGCAGCGGCCCACAGGAGT[G>A]GCTGTACATCCCAGTGGGGACATAATCATTGCCGATTATGATAATAAATGGGTCAGCATT-3'
Protein context (NP_056086.2, residues 556-576): SPGQLQRPTG[Val566=]AVHPSGDIII

ClinVar aggregate classification (germline): Likely benign. Review status: criteria provided, multiple submitters, no conflicts (2 of 4 stars). 3 submissions from 3 submitters: Likely benign (2). 1 of the submissions does not count toward it. Last evaluated 2025-11-09.

Conditions:
TRIM2-related disorder. Also called: TRIM2-related condition.
Charcot-Marie-Tooth disease type 2R. Also called: CHARCOT-MARIE-TOOTH NEUROPATHY, TYPE 2R; CHARCOT-MARIE-TOOTH DISEASE, AXONAL, AUTOSOMAL RECESSIVE, TYPE 2R; Charcot-Marie-Tooth disease, axonal, type 2R. Identifiers: Orphanet 397968, MedGen C3809655, MONDO:0014208, OMIM 615490.

Allele frequency attached by ClinVar (database versions not stated): ExAC 0.00001; gnomAD 0.00001; gnomAD exomes 0.00002 and 0.00004; TOPMed 0.00002.
gnomAD v4.1: 63 of 1,613,818 alleles (0.0039%); highest among the groups gnomAD compares: South Asian, 0.0066%; no homozygotes.

Submissions (3):

Labcorp Genetics (formerly Invitae), Labcorp
Classification: Likely benign for Charcot-Marie-Tooth disease type 2R. Last evaluated: 2025-11-09. Review status: criteria provided, single submitter. Criteria: Invitae Variant Classification Sherloc (09022015). Collection method: clinical testing. Allele origin: germline.

CeGaT Center for Human Genetics Tuebingen
Classification: Likely benign. Last evaluated: 2023-10-01. Review status: criteria provided, single submitter. Criteria: CeGaT Center For Human Genetics Tuebingen Variant Classification Criteria Version 2. Collection method: clinical testing. Allele origin: germline. Affected: yes. Observed: 1 variant allele.
Comment: TRIM2: BP4, BP7

PreventionGenetics, part of Exact Sciences
Classification: Likely benign for TRIM2-related condition. Last evaluated: 2022-04-15. Review status: no assertion criteria provided. Collection method: clinical testing. Allele origin: germline. Not counted in ClinVar's aggregate classification.
Comment: This variant is classified as likely benign based on ACMG/AMP sequence variant interpretation guidelines (Richards et al. 2015 PMID: 25741868, with internal and published modifications).